The following is an entry in ClinVar:

ClinVar aggregate classification (germline): Uncertain significance (1 of 4 stars; one submission).

Allele frequency attached by ClinVar (database versions not stated): gnomAD exomes 0.00001.
gnomAD v4.1: 4 of 1,612,492 alleles (0.00025%); highest among the groups gnomAD compares: Non-Finnish European, 0.00034%; no homozygotes.

Submission:

Labcorp Genetics (formerly Invitae), Labcorp
Classification: Uncertain significance. Last evaluated: 2023-01-20. Review status: criteria provided, single submitter. Criteria: Invitae Variant Classification Sherloc (09022015). Collection method: clinical testing. Allele origin: germline.
Comment: In summary, the available evidence is currently insufficient to determine the role of this variant in disease. Therefore, it has been classified as a Variant of Uncertain Significance. Algorithms developed to predict the effect of missense changes on protein structure and function (SIFT, PolyPhen-2, Align-GVGD) all suggest that this variant is likely to be tolerated. This variant has not been reported in the literature in individuals affected with DSG1-related conditions. This variant is present in population databases (no rsID available, gnomAD 0.0009%). This sequence change replaces isoleucine, which is neutral and non-polar, with leucine, which is neutral and non-polar, at codon 124 of the DSG1 protein (p.Ile124Leu).

NM_001942.4(DSG1):c.370A>C (p.Ile124Leu)

Gene: DSG1 (desmoglein 1; plus strand). Cytogenetic location: 18q12.1.
Variant type: single nucleotide variant.
Coding change: c.370A>C on transcript NM_001942.4 (MANE Select); coding-DNA position 370, A replaced by C.
Protein change: p.Ile124Leu; replaces isoleucine 124 with leucine.
Molecular consequence: missense variant.
Genome position (GRCh38, 1-based): chr18:31,328,342, A>C. VCF-style: chr18-31328342-A-C. GRCh37 (hg19) VCF-style: chr18-28908305-A-C.
Other names: short protein forms I124L.
Identifiers: ClinVar variation 3006594 (VCV003006594.3), dbSNP rs980280280, ClinGen allele CA297690512.